The following is an entry in ClinVar:

ClinVar aggregate classification (germline): Conflicting classifications of pathogenicity. Review status: criteria provided, conflicting classifications (1 of 4 stars). 4 submissions from 4 submitters: Uncertain significance (2); Benign (1); Likely benign (1). Last evaluated 2025-08-28.

Conditions:
Epilepsy, childhood absence, susceptibility to, 6. Identifiers: Orphanet 64280, MedGen C2749872, MONDO:0012763, OMIM 611942.
Hyperaldosteronism, familial, type IV (HALD4). Also called: FH IV; ALDOSTERONISM, PRIMARY, AND HYPERTENSION. Identifiers: Orphanet 642671, MedGen C4310756, MONDO:0014875, OMIM 617027.
Inborn genetic diseases. Identifiers: MedGen C0950123, MeSH D030342.
Idiopathic generalized epilepsy. Also called: EIG; Generalised epilepsy. Identifiers: MedGen C0270850, MONDO:0005579, OMIM 600669.

Allele frequency attached by ClinVar (database versions not stated): ExAC 0.00001; TOPMed 0.00004; gnomAD 0.00005.
gnomAD v4.1: 39 of 1,612,720 alleles (0.0024%); highest among the groups gnomAD compares: African/African-American, 0.012%; no homozygotes.

Submissions (4):

Women's Health and Genetics/Laboratory Corporation of America, LabCorp
Classification: Uncertain significance. Last evaluated: 2025-08-28. Review status: criteria provided, single submitter. Criteria: LabCorp Variant Classification Summary - May 2015. Collection method: clinical testing. Allele origin: germline.
Comment: Variant summary: CACNA1H c.6887C>T (p.Ser2296Phe) results in a non-conservative amino acid change in the encoded protein sequence. Algorithms developed to predict the effect of missense changes on protein structure and function are either unavailable or do not agree on the potential impact of this missense change. The variant allele was found at a frequency of 2.4e-05 in 1612720 control chromosomes. This frequency is not significantly higher than estimated for disease-causing variants in CACNA1H, allowing no conclusion about variant significance. To our knowledge, no occurrence of c.6887C>T in individuals affected with CACNA1H-related conditions and no experimental evidence demonstrating its impact on protein function have been reported. ClinVar contains an entry for this variant (Variation ID: 2196157). Based on the evidence outlined above, the variant was classified as VUS-possibly benign.

Labcorp Genetics (formerly Invitae), Labcorp
Classification: Benign for Idiopathic generalized epilepsy; Hyperaldosteronism, familial, type IV. Last evaluated: 2024-10-04. Review status: criteria provided, single submitter. Criteria: Invitae Variant Classification Sherloc (09022015). Collection method: clinical testing. Allele origin: germline.

Fulgent Genetics
Classification: Likely benign for Epilepsy, childhood absence, susceptibility to, 6; Hyperaldosteronism, familial, type IV. Last evaluated: 2024-05-15. Review status: criteria provided, single submitter. Criteria: ACMG Guidelines, 2015. Collection method: clinical testing. Allele origin: germline.

Ambry Genetics
Classification: Uncertain significance for Inborn genetic diseases. Last evaluated: 2022-02-10. Review status: criteria provided, single submitter. Criteria: Ambry Variant Classification Scheme 2023. Collection method: clinical testing. Allele origin: germline.

NM_021098.3(CACNA1H):c.6887C>T (p.Ser2296Phe)

Gene: CACNA1H (calcium voltage-gated channel subunit alpha1 H; plus strand). Cytogenetic location: 16p13.3.
Variant type: single nucleotide variant.
Coding change: c.6887C>T on transcript NM_021098.3 (MANE Select); coding-DNA position 6887, C replaced by T.
Protein change: p.Ser2296Phe; replaces serine 2296 with phenylalanine.
Molecular consequence: missense variant.
Genome position (GRCh38, 1-based): chr16:1,220,819, C>T. VCF-style: chr16-1220819-C-T. GRCh37 (hg19) VCF-style: chr16-1270819-C-T.
Other names: c.6887C>T (NM_021098.2); c.6869C>T, p.Ser2290Phe (NM_001005407.2); short protein forms S2290F, S2296F.
Identifiers: ClinVar variation 2196157 (VCV002196157.8), dbSNP rs747114776, ClinGen allele CA7802536.
Genomic context (GRCh38, chr16:1,220,819, plus strand): 5'-CCAGTGGAGACCCTTTCTTGGACGGTAGCCACAGTGTGACCCCAGAATCCAGAGCTTCCT[C>T]TTCAGGGGCCATAGTGCCCCTGGAACCCCCAGAATCAGAGCCTCCCATGCCCGTCGGTGA-3'
Protein context (NP_066921.2, residues 2286-2306): HSVTPESRAS[Ser2296Phe]SGAIVPLEPP